The following is an entry in ClinVar:

NM_001048174.2(MUTYH):c.131C>T (p.Pro44Leu)

Gene: MUTYH (mutY DNA glycosylase; minus strand). Cytogenetic location: 1p34.1.
Variant type: single nucleotide variant.
Coding change: c.131C>T on transcript NM_001048174.2 (MANE Select); coding-DNA position 131, C replaced by T.
Protein change: p.Pro44Leu; replaces proline 44 with leucine.
Molecular consequence: missense variant. On other transcripts: 5 prime UTR variant (1), non-coding transcript variant (2), intron variant (3).
Genome position (GRCh38, 1-based): chr1:45,333,546, G>A on the plus strand (C>T on the coding strand, the complement: MUTYH is on the minus strand). VCF-style: chr1-45333546-G-A. GRCh37 (hg19) VCF-style: chr1-45799218-G-A.
Other names: c.131C>T, p.Pro44Leu (NM_001048171.2, NM_001048173.2, NM_001293195.2); c.134C>T, p.Pro45Leu (NM_001048172.2); c.215C>T, p.Pro72Leu (NM_001128425.2); c.176C>T, p.Pro59Leu (NM_001293190.2); c.164C>T, p.Pro55Leu (NM_001293191.2); c.-141C>T (NM_001350650.2); c.206C>T, p.Pro69Leu (NM_012222.3); c.-92-49C>T (NM_001350651.2); and 1 more; short protein forms P72L, P45L, P69L, P55L, P44L, P59L.
Identifiers: ClinVar variation 233129 (VCV000233129.26), dbSNP rs759140181, ClinGen allele CA056369.

ClinVar aggregate classification (germline): Conflicting classifications of pathogenicity. Review status: criteria provided, conflicting classifications (1 of 4 stars). 7 submissions from 7 submitters: Uncertain significance (6); Likely benign (1). Last evaluated 2026-01-21.

Conditions:
Hereditary cancer-predisposing syndrome. Also called: Tumor predisposition; Hereditary Cancer Syndrome; Neoplastic Syndromes, Hereditary; Hereditary neoplastic syndrome. Identifiers: Orphanet 140162, MedGen C0027672, MeSH D009386, MONDO:0015356.
Familial adenomatous polyposis 2. Also called: MYH-associated polyposis; FAP type 2; ADENOMAS, MULTIPLE COLORECTAL, AUTOSOMAL RECESSIVE; MUTYH Polyposis; MUTYH-associated polyposis; MUTYH-related attenuated familial adenomatous polyposis. Identifiers: Orphanet 220460, Orphanet 247798, MedGen C3272841, MONDO:0012041, OMIM 608456.

Allele frequency attached by ClinVar (database versions not stated): gnomAD 0.00001; ExAC 0.00002; gnomAD exomes 0.00002; TOPMed 0.00002.
gnomAD v4.1: 30 of 1,613,740 alleles (0.0019%); highest among the groups gnomAD compares: African/African-American, 0.004%; no homozygotes.

Submissions (7):

Labcorp Genetics (formerly Invitae), Labcorp
Classification: Uncertain significance for Familial adenomatous polyposis 2. Last evaluated: 2026-01-21. Review status: criteria provided, single submitter. Criteria: Invitae Variant Classification Sherloc (09022015). Collection method: clinical testing. Allele origin: germline.
Comment: This sequence change replaces proline, which is neutral and non-polar, with leucine, which is neutral and non-polar, at codon 72 of the MUTYH protein (p.Pro72Leu). This variant is present in population databases (rs759140181, gnomAD 0.004%). This missense change has been observed in individual(s) with clinical features of MUTYH-related conditions (PMID: 34326862). ClinVar contains an entry for this variant (Variation ID: 233129). An algorithm developed to predict the effect of missense changes on protein structure and function outputs the following: PolyPhen-2: "Benign". The leucine amino acid residue is found in multiple mammalian species, which suggests that this missense change does not adversely affect protein function. In summary, the available evidence is currently insufficient to determine the role of this variant in disease. Therefore, it has been classified as a Variant of Uncertain Significance.

St. Jude Molecular Pathology, St. Jude Children's Research Hospital
Classification: Uncertain significance for Familial adenomatous polyposis 2. Last evaluated: 2025-06-17. Review status: criteria provided, single submitter. Criteria: St. Jude Assertion Criteria 2020. Collection method: clinical testing. Allele origin: germline.
Comment: The MUTYH c.215C>T p.(Pro72Leu) missense change has a maximum subpopulation frequency of 0.004% in gnomAD v2.1.1. The in silico tool REVEL predicts a benign effect on protein function, but to our knowledge this prediction has not been confirmed by functional studies. To our knowledge, this variant has not been reported in individuals with MUTYH-associated polyposis. In summary, the evidence currently available is insufficient to determine the clinical significance of this variant. It has therefore been classified as of uncertain significance.

GeneDx
Classification: Uncertain significance. Last evaluated: 2025-03-11. Review status: criteria provided, single submitter. Criteria: GeneDx Variant Classification Process June 2021. Collection method: clinical testing. Allele origin: germline. Affected: yes.
Comment: Identified in individuals with kidney cancer or with a personal and/or family history of breast or ovarian cancer (PMID: 27878467, 29684080, 34326862); Not observed at significant frequency in large population cohorts (gnomAD); In silico analysis indicates that this missense variant does not alter protein structure/function; This variant is associated with the following publications: (PMID: 27878467, 29684080, 36243179, 34326862)

Ambry Genetics
Classification: Likely benign for Hereditary cancer-predisposing syndrome. Last evaluated: 2023-12-27. Review status: criteria provided, single submitter. Criteria: Ambry Variant Classification Scheme 2023. Collection method: clinical testing. Allele origin: germline.

All of Us Research Program, National Institutes of Health
Classification: Uncertain significance for Familial adenomatous polyposis 2. Last evaluated: 2023-10-06. Review status: criteria provided, single submitter. Criteria: ACMG Guidelines, 2015. Collection method: clinical testing. Allele origin: germline. Inheritance: Autosomal recessive inheritance. Observed: 2 variant alleles, 2 heterozygotes.
Comment: This missense variant replaces proline with leucine at codon 72 of the MUTYH protein. Computational prediction suggests that this variant may not impact protein structure and function (internally defined REVEL score threshold <= 0.5, PMID: 27666373). To our knowledge, functional studies have not been reported for this variant. This variant has not been reported in individuals affected with MUTYH-related disorders in the literature. This variant has been identified in 5/282650 chromosomes in the general population by the Genome Aggregation Database (gnomAD). The available evidence is insufficient to determine the role of this variant in disease conclusively. Therefore, this variant is classified as a Variant of Uncertain Significance.

This study involves interpretation of variants in research participants for the purpose of population health screening. Participant phenotype was not available at the time of variant classification. Additional details can be found in publication PMID: 35346344, PMCID: PMC8962531

Color Diagnostics, LLC DBA Color Health
Classification: Uncertain significance for Hereditary cancer-predisposing syndrome. Last evaluated: 2023-09-20. Review status: criteria provided, single submitter. Criteria: ACMG Guidelines, 2015. Collection method: clinical testing. Allele origin: germline.
Comment: This missense variant replaces proline with leucine at codon 72 of the MUTYH protein. Computational prediction suggests that this variant may not impact protein structure and function (internally defined REVEL score threshold <= 0.5, PMID: 27666373). To our knowledge, functional studies have not been reported for this variant. This variant has not been reported in individuals affected with MUTYH-related disorders in the literature. This variant has been identified in 5/282650 chromosomes in the general population by the Genome Aggregation Database (gnomAD). The available evidence is insufficient to determine the role of this variant in disease conclusively. Therefore, this variant is classified as a Variant of Uncertain Significance.

Baylor Genetics
Classification: Uncertain significance for Familial adenomatous polyposis 2. Last evaluated: 2023-08-03. Review status: criteria provided, single submitter. Criteria: ACMG Guidelines, 2015. Collection method: clinical testing. Allele origin: unknown.

Literature cited by the submitters: PubMed 34326862 (cited by Labcorp Genetics (formerly Invitae), Labcorp); PubMed 27878467 (cited by Ambry Genetics); PubMed 29684080 (cited by Ambry Genetics).